The following is an entry in ClinVar:

NM_003322.6(TULP1):c.1330G>A (p.Asp444Asn)

Gene: TULP1 (TUB like protein 1; minus strand). Cytogenetic location: 6p21.31.
Variant type: single nucleotide variant.
Coding change: c.1330G>A on transcript NM_003322.6 (MANE Select); coding-DNA position 1330, G replaced by A.
Protein change: p.Asp444Asn; replaces aspartic acid 444 with asparagine.
Molecular consequence: missense variant.
Genome position (GRCh38, 1-based): chr6:35,500,146, C>T on the plus strand (G>A on the coding strand, the complement: TULP1 is on the minus strand). VCF-style: chr6-35500146-C-T. GRCh37 (hg19) VCF-style: chr6-35467923-C-T.
Other names: c.1171G>A, p.Asp391Asn (NM_001289395.2); short protein forms D391N, D444N.
Identifiers: ClinVar variation 866625 (VCV000866625.9), dbSNP rs138400030, ClinGen allele CA3772572.

ClinVar aggregate classification (germline): Conflicting classifications of pathogenicity. Review status: criteria provided, conflicting classifications (1 of 4 stars). 3 submissions from 3 submitters: Uncertain significance (2); Likely benign (1). Last evaluated 2025-08-23.

Conditions:
Inborn genetic diseases. Identifiers: MedGen C0950123, MeSH D030342.

Allele frequency attached by ClinVar (database versions not stated): ExAC 0.00003; gnomAD exomes 0.00003 and 0.00007; 1000 Genomes Project 30x 0.00016; 1000 Genomes Project 0.00020; ESP Exome Variant Server 0.00023; gnomAD 0.00032 and 0.00036; TOPMed 0.00034.
gnomAD v4.1: 89 of 1,614,010 alleles (0.0055%); highest among the groups gnomAD compares: African/African-American, 0.1%; no homozygotes.

Submissions (3):

Ambry Genetics
Classification: Uncertain significance for Inborn genetic diseases. Last evaluated: 2025-08-23. Review status: criteria provided, single submitter. Criteria: Ambry Variant Classification Scheme 2023. Collection method: clinical testing. Allele origin: germline.

Labcorp Genetics (formerly Invitae), Labcorp
Classification: Uncertain significance. Last evaluated: 2024-12-02. Review status: criteria provided, single submitter. Criteria: Invitae Variant Classification Sherloc (09022015). Collection method: clinical testing. Allele origin: germline.
Comment: This sequence change replaces aspartic acid, which is acidic and polar, with asparagine, which is neutral and polar, at codon 444 of the TULP1 protein (p.Asp444Asn). This variant is present in population databases (rs138400030, gnomAD 0.1%). This variant has not been reported in the literature in individuals affected with TULP1-related conditions. ClinVar contains an entry for this variant (Variation ID: 866625). Invitae Evidence Modeling of protein sequence and biophysical properties (such as structural, functional, and spatial information, amino acid conservation, physicochemical variation, residue mobility, and thermodynamic stability) indicates that this missense variant is expected to disrupt TULP1 protein function with a positive predictive value of 95%. In summary, the available evidence is currently insufficient to determine the role of this variant in disease. Therefore, it has been classified as a Variant of Uncertain Significance.

Blueprint Genetics
Classification: Likely benign. Last evaluated: 2024-10-09. Review status: criteria provided, single submitter. Criteria: ACMG Guidelines, 2015. Collection method: clinical testing. Allele origin: germline.